The following is an entry in ClinVar:

NM_145059.3(FCSK):c.3092_3095dup (p.Leu1033fs)

Gene: FCSK (fucose kinase; plus strand). Cytogenetic location: 16q22.1.
Variant type: Duplication.
Coding change: c.3092_3095dup on transcript NM_145059.3 (MANE Select); coding-DNA positions 3092 to 3095, 4 bases duplicated (ATCT; older notation c.3092_3095dupATCT).
Protein change: p.Leu1033fs; shifts the reading frame from leucine 1033.
Molecular consequence: frameshift variant.
Genome position (GRCh38, 1-based): chr16:70,479,342-70,479,345, ATCT duplicated; duplicating any 4 consecutive bases within chr16:70,479,339-70,479,345 gives the same sequence; the c. name uses the placement nearest the transcript's 3' end. VCF-style (leftmost placement, unchanged base first): chr16-70479338-C-CTCTA. GRCh37 (hg19) VCF-style: chr16-70513241-C-CTCTA.
Other names: short protein forms L1033fs.
Identifiers: ClinVar variation 1682404 (VCV001682404.6), dbSNP rs747756834, ClinGen allele CA8143864.
Genomic context (GRCh38, chr16:70,479,338, plus strand): 5'-GATGTCCTGGCCCCCCACGTGCATGGCCAGAGCCTGGCTGGGGCAGGCGGTGGAGGCTTT[C>CTCTA]TCTATCTGTTGACCAAGGAGCCACAGCAAAAGGAGGCCTTGGAGGCGGTGCTGGCCAAGA-3'

ClinVar aggregate classification (germline): Uncertain significance (1 of 4 stars; one submission).

Submission:

Labcorp Genetics (formerly Invitae), Labcorp
Classification: Uncertain significance. Last evaluated: 2026-01-04. Review status: criteria provided, single submitter. Criteria: Invitae Variant Classification Sherloc (09022015). Collection method: clinical testing. Allele origin: germline.
Comment: This sequence change creates a premature translational stop signal (p.Leu1033Serfs*31) in the FUK gene. While this is not anticipated to result in nonsense mediated decay, it is expected to disrupt the last 52 amino acid(s) of the FUK protein. This variant is present in population databases (rs747756834, gnomAD 0.03%). This variant has not been reported in the literature in individuals affected with FUK-related conditions. ClinVar contains an entry for this variant (Variation ID: 1682404). In summary, the available evidence is currently insufficient to determine the role of this variant in disease. Therefore, it has been classified as a Variant of Uncertain Significance.